The following is an entry in ClinVar:

NM_001278293.3(ARL6):c.221G>A (p.Gly74Glu)

Gene: ARL6 (ARF like GTPase 6; plus strand). Cytogenetic location: 3q11.2.
Variant type: single nucleotide variant.
Coding change: c.221G>A on transcript NM_001278293.3 (MANE Select); coding-DNA position 221, G replaced by A.
Protein change: p.Gly74Glu; replaces glycine 74 with glutamic acid.
Molecular consequence: missense variant. On other transcripts: non-coding transcript variant (7).
Genome position (GRCh38, 1-based): chr3:97,780,650, G>A. VCF-style: chr3-97780650-G-A. GRCh37 (hg19) VCF-style: chr3-97499494-G-A.
Other names: c.221G>A, p.Gly74Glu (NM_001323513.2, NM_001323514.2, NM_032146.5 and 1 more transcripts); short protein forms G74E.
Identifiers: ClinVar variation 1984359 (VCV001984359.2), dbSNP rs2529896043, ClinGen allele CA353586159.
Genomic context (GRCh38, chr3:97,780,650, plus strand): 5'-AGTCATGTTTTGCTTCTTTTTGTAGTTTGTCATTTACAGTGTTTGACATGTCAGGTCAAG[G>A]AAGATACAGAAATCTCTGGGAACACTATTATAAGTAAGTACATCTGTGAATGTTGCTTAA-3'
Protein context (NP_001265222.1, residues 64-84): SFTVFDMSGQ[Gly74Glu]RYRNLWEHYY

ClinVar aggregate classification (germline): Uncertain significance. Review status: criteria provided, multiple submitters, no conflicts (2 of 4 stars). 2 submissions from 2 submitters: Uncertain significance (2). Last evaluated 2026-04-14.

Conditions:
ARL6-related disorder. Also called: ARL6-related condition.
Retinitis pigmentosa 55 (RP55). Identifiers: Orphanet 791, MedGen C3150808, MONDO:0013312, OMIM 613575.
Bardet-Biedl syndrome 3 (BBS3). Identifiers: Orphanet 110, MedGen C1859564, MONDO:0010832, OMIM 600151.

Submissions (2):

PreventionGenetics, part of Exact Sciences
Classification: Uncertain significance for ARL6-related condition. Last evaluated: 2026-04-14. Review status: criteria provided, single submitter. Criteria: ACMG Guidelines, 2015. Collection method: clinical testing. Allele origin: germline.
Comment: The ARL6 c.221G>A variant is predicted to result in the amino acid substitution p.Gly74Glu. To our knowledge, this variant has not been reported in the literature or in a large population database (gnomAD), indicating this variant is rare. At this time, the clinical significance of this variant is uncertain due to the absence of conclusive functional and genetic evidence.

Labcorp Genetics (formerly Invitae), Labcorp
Classification: Uncertain significance for Retinitis pigmentosa 55; Bardet-Biedl syndrome 3. Last evaluated: 2022-02-24. Review status: criteria provided, single submitter. Criteria: Invitae Variant Classification Sherloc (09022015). Collection method: clinical testing. Allele origin: germline.
Comment: This sequence change replaces glycine, which is neutral and non-polar, with glutamic acid, which is acidic and polar, at codon 74 of the ARL6 protein (p.Gly74Glu). This variant is not present in population databases (gnomAD no frequency). This variant has not been reported in the literature in individuals affected with ARL6-related conditions. Algorithms developed to predict the effect of missense changes on protein structure and function (SIFT, PolyPhen-2, Align-GVGD) all suggest that this variant is likely to be tolerated. In summary, the available evidence is currently insufficient to determine the role of this variant in disease. Therefore, it has been classified as a Variant of Uncertain Significance.